The following is an entry in ClinVar:

ClinVar aggregate classification (germline): Likely benign. Review status: criteria provided, multiple submitters, no conflicts (2 of 4 stars). 2 submissions from 2 submitters: Likely benign (2). Last evaluated 2025-12-13.

Conditions:
RFT1-congenital disorder of glycosylation (CDG1N). Also called: Congenital disorder of glycosylation type In; RFT1-CDG; CDG In. Identifiers: Orphanet 244310, MedGen C2677590, MONDO:0012783, OMIM 612015.

Allele frequency attached by ClinVar (database versions not stated): gnomAD exomes below 0.00001; TOPMed 0.00001; ExAC 0.00002; 1000 Genomes Project 30x 0.00016; 1000 Genomes Project 0.00020.
gnomAD v4.1: 7 of 1,614,170 alleles (0.00043%); no homozygotes.

Submissions (2):

Labcorp Genetics (formerly Invitae), Labcorp
Classification: Likely benign for RFT1-congenital disorder of glycosylation. Last evaluated: 2025-12-13. Review status: criteria provided, single submitter. Criteria: Invitae Variant Classification Sherloc (09022015). Collection method: clinical testing. Allele origin: germline.

CeGaT Center for Human Genetics Tuebingen
Classification: Likely benign. Last evaluated: 2024-07-01. Review status: criteria provided, single submitter. Criteria: CeGaT Center For Human Genetics Tuebingen Variant Classification Criteria Version 2. Collection method: clinical testing. Allele origin: germline. Affected: yes. Observed: 1 variant allele.
Comment: RFT1: BP4, BP7

NM_052859.4(RFT1):c.1008C>G (p.Ala336=)

Gene: RFT1 (RFT1 glycolipid translocator homolog; minus strand). Cytogenetic location: 3p21.1.
Variant type: single nucleotide variant.
Coding change: c.1008C>G on transcript NM_052859.4 (MANE Select); coding-DNA position 1008, C replaced by G.
Protein change: p.Ala336=; no amino-acid change (alanine 336 retained).
Molecular consequence: synonymous variant.
Genome position (GRCh38, 1-based): chr3:53,104,047, G>C on the plus strand (C>G on the coding strand, the complement: RFT1 is on the minus strand). VCF-style: chr3-53104047-G-C. GRCh37 (hg19) VCF-style: chr3-53138063-G-C.
Identifiers: ClinVar variation 1597435 (VCV001597435.25), dbSNP rs199734288, ClinGen allele CA2451265.
Genomic context (GRCh38, chr3:53,104,047, plus strand): 5'-ATCCAGAGCCAGCTGAGAATAGGCAAAGCCAAAAACAGTGATGGTCAGGCCGGCCAGCAG[G>C]GCCAGCTTGAGCAGGGACTCCAAGACTGCAGCAGCCACAGCAACGTCCTCCTGGGGCCAG-3'
Protein context (NP_443091.1, residues 326-346): AAVLESLLKL[Ala336=]LLAGLTITVF